The following is an entry in ClinVar:

NM_001148.6(ANK2):c.198C>A (p.Asn66Lys)

Gene: ANK2 (ankyrin 2; plus strand). Cytogenetic location: 4q25.
Variant type: single nucleotide variant.
Coding change: c.198C>A on transcript NM_001148.6 (MANE Select); coding-DNA position 198, C replaced by A.
Protein change: p.Asn66Lys; replaces asparagine 66 with lysine.
Molecular consequence: missense variant.
Genome position (GRCh38, 1-based): chr4:113,196,379, C>A. VCF-style: chr4-113196379-C-A. GRCh37 (hg19) VCF-style: chr4-114117535-C-A.
Other names: c.186C>A, p.Asn62Lys (NM_001386186.2, NM_001386187.2, NM_001386148.2 and 1 more transcripts); c.198C>A, p.Asn66Lys (NM_020977.5, NM_001354225.2, NM_001354228.2 and 9 more transcripts); c.243C>A, p.Asn81Lys (NM_001386144.1, NM_001386152.1, NM_001354230.2 and 5 more transcripts); c.135C>A, p.Asn45Lys (NM_001386146.1, NM_001386149.1, NM_001386150.1 and 33 more transcripts); c.180C>A, p.Asn60Lys (NM_001386147.1, NM_001386160.1, NM_001354261.2); c.249C>A, p.Asn83Lys (NM_001386174.1, NM_001386175.1); short protein forms N45K, N60K, N62K, N66K, N81K, N83K.
Identifiers: ClinVar variation 2867067 (VCV002867067.3), dbSNP rs146964054, ClinGen allele CA3049968.

ClinVar aggregate classification (germline): Uncertain significance (1 of 4 stars; one submission).

Conditions:
Long QT syndrome (LQTS). Identifiers: MedGen C0023976, MeSH D008133, MONDO:0002442. Disease mechanism: loss of function. Inheritance: Various modes of inheritance.

gnomAD v4.1: 3 of 1,613,430 alleles (0.00019%); highest among the groups gnomAD compares: Non-Finnish European, 0.00025%; no homozygotes.

Submission:

Labcorp Genetics (formerly Invitae), Labcorp
Classification: Uncertain significance for Long QT syndrome. Last evaluated: 2023-10-06. Review status: criteria provided, single submitter. Criteria: Invitae Variant Classification Sherloc (09022015). Collection method: clinical testing. Allele origin: germline.
Comment: This sequence change replaces asparagine, which is neutral and polar, with lysine, which is basic and polar, at codon 66 of the ANK2 protein (p.Asn66Lys). This variant is present in population databases (rs146964054, gnomAD 0.002%). This variant has not been reported in the literature in individuals affected with ANK2-related conditions. Advanced modeling of protein sequence and biophysical properties (such as structural, functional, and spatial information, amino acid conservation, physicochemical variation, residue mobility, and thermodynamic stability) performed at Invitae indicates that this missense variant is not expected to disrupt ANK2 protein function. In summary, the available evidence is currently insufficient to determine the role of this variant in disease. Therefore, it has been classified as a Variant of Uncertain Significance.